The following is an entry in ClinVar:

ClinVar aggregate classification (germline): Likely benign (1 of 4 stars; one submission).

Conditions:
Hypertrophic cardiomyopathy. Also called: HYPERTROPHIC MYOCARDIOPATHY. Identifiers: Orphanet 217569, MedGen C0007194, MeSH D002312, MONDO:0005045, HP:0001639.

Submission:

All of Us Research Program, National Institutes of Health
Classification: Likely benign for Hypertrophic cardiomyopathy. Last evaluated: 2023-02-24. Review status: criteria provided, single submitter. Criteria: ACMG Guidelines, 2015. Collection method: clinical testing. Allele origin: germline. Inheritance: Autosomal dominant inheritance. Observed: 1 variant allele, 1 heterozygote.
Comment: This study involves interpretation of variants in research participants for the purpose of population health screening. Participant phenotype was not available at the time of variant classification. Additional details can be found in publication PMID: 35346344, PMCID: PMC8962531

NM_005159.5(ACTC1):c.1035C>G (p.Gly345=)

Genes: ACTC1 (actin alpha cardiac muscle 1; minus strand), GJD2-DT (GJD2 divergent transcript; plus strand). Cytogenetic location: 15q14.
Variant type: single nucleotide variant.
Coding change: c.1035C>G on transcript NM_005159.5 (MANE Select); coding-DNA position 1035, C replaced by G.
Protein change: p.Gly345=; no amino-acid change (glycine 345 retained).
Molecular consequence: synonymous variant.
Genome position (GRCh38, 1-based): chr15:34,790,511, G>C on the plus strand (C>G on the coding strand, the complement: ACTC1 is on the minus strand). VCF-style: chr15-34790511-G-C. GRCh37 (hg19) VCF-style: chr15-35082712-G-C.
Other names: c.1035C>G, p.Gly345= (NM_001406482.1, NM_001406483.1); c.900C>G, p.Gly300= (NM_001406484.1); c.594C>G, p.Gly198= (NM_001406485.1).
Identifiers: ClinVar variation 3069578 (VCV003069578.1), dbSNP rs1430980455, ClinGen allele CA489417954.